The following is an entry in ClinVar:

NM_015386.3(COG4):c.1647+5G>T

Gene: COG4 (component of oligomeric golgi complex 4; minus strand). Cytogenetic location: 16q22.1.
Variant type: single nucleotide variant.
Coding change: c.1647+5G>T on transcript NM_015386.3 (MANE Select); 5 bases into the intron after coding-DNA position 1647, G replaced by T.
Molecular consequence: intron variant.
Genome position (GRCh38, 1-based): chr16:70,496,261, C>A on the plus strand (G>T on the coding strand, the complement: COG4 is on the minus strand). VCF-style: chr16-70496261-C-A. GRCh37 (hg19) VCF-style: chr16-70530164-C-A.
Other names: c.1635+5G>T (NM_001195139.2); c.1221+5G>T (NM_001365426.1).
Identifiers: ClinVar variation 3364567 (VCV003364567.1).

ClinVar aggregate classification (germline): Uncertain significance (1 of 4 stars; one submission).

gnomAD v4.1: 1 of 1,614,020 alleles (0.000062%); highest among the groups gnomAD compares: African/African-American, 0.0013%; no homozygotes.

Submission:

GeneDx
Classification: Uncertain significance. Last evaluated: 2023-11-18. Review status: criteria provided, single submitter. Criteria: GeneDx Variant Classification Process June 2021. Collection method: clinical testing. Allele origin: germline. Affected: yes.
Comment: Not observed at significant frequency in large population cohorts (gnomAD); In silico analysis is inconclusive as to whether the variant alters gene splicing. In the absence of RNA/functional studies, the actual effect of this sequence change is unknown.; Has not been previously published as pathogenic or benign to our knowledge